The following is an entry in ClinVar:

ClinVar aggregate classification (germline): Uncertain significance (1 of 4 stars; one submission).

Allele frequency attached by ClinVar (database versions not stated): TOPMed below 0.00001; gnomAD exomes 0.00001.
gnomAD v4.1: 5 of 1,614,136 alleles (0.00031%); highest among the groups gnomAD compares: Non-Finnish European, 0.00042%; no homozygotes.

Submission:

Labcorp Genetics (formerly Invitae), Labcorp
Classification: Uncertain significance. Last evaluated: 2022-04-06. Review status: criteria provided, single submitter. Criteria: Invitae Variant Classification Sherloc (09022015). Collection method: clinical testing. Allele origin: germline.
Comment: In summary, the available evidence is currently insufficient to determine the role of this variant in disease. Therefore, it has been classified as a Variant of Uncertain Significance. Algorithms developed to predict the effect of missense changes on protein structure and function are either unavailable or do not agree on the potential impact of this missense change (SIFT: "Not Available"; PolyPhen-2: "Benign"; Align-GVGD: "Not Available"). This variant has not been reported in the literature in individuals affected with EGF-related conditions. This variant is present in population databases (no rsID available, gnomAD 0.0009%). This sequence change replaces alanine, which is neutral and non-polar, with glycine, which is neutral and non-polar, at codon 995 of the EGF protein (p.Ala995Gly).

NM_001963.6(EGF):c.2984C>G (p.Ala995Gly)

Gene: EGF (epidermal growth factor; plus strand). Cytogenetic location: 4q25.
Variant type: single nucleotide variant.
Coding change: c.2984C>G on transcript NM_001963.6 (MANE Select); coding-DNA position 2984, C replaced by G.
Protein change: p.Ala995Gly; replaces alanine 995 with glycine.
Molecular consequence: missense variant.
Genome position (GRCh38, 1-based): chr4:109,994,859, C>G. VCF-style: chr4-109994859-C-G. GRCh37 (hg19) VCF-style: chr4-110916015-C-G.
Other names: c.2861C>G, p.Ala954Gly (NM_001178130.3); c.2858C>G, p.Ala953Gly (NM_001178131.3); c.2615C>G, p.Ala872Gly (NM_001357021.2); short protein forms A953G, A954G, A995G, A872G.
Identifiers: ClinVar variation 1934130 (VCV001934130.5), dbSNP rs1323833193, ClinGen allele CA357873657.